The following is an entry in ClinVar:

ClinVar aggregate classification (germline): Uncertain significance (1 of 4 stars; one submission).

gnomAD v4.1: 1 of 1,612,768 alleles (0.000062%); highest among the groups gnomAD compares: Non-Finnish European, 0.000085%; no homozygotes.

Submission:

Labcorp Genetics (formerly Invitae), Labcorp
Classification: Uncertain significance. Last evaluated: 2025-09-30. Review status: criteria provided, single submitter. Criteria: Invitae Variant Classification Sherloc (09022015). Collection method: clinical testing. Allele origin: germline.
Comment: This sequence change replaces proline, which is neutral and non-polar, with alanine, which is neutral and non-polar, at codon 418 of the FGFR3 protein (p.Pro418Ala). This variant is not present in population databases (gnomAD no frequency). This variant has not been reported in the literature in individuals affected with FGFR3-related conditions. ClinVar contains an entry for this variant (Variation ID: 3630712). Invitae Evidence Modeling of protein sequence and biophysical properties (such as structural, functional, and spatial information, amino acid conservation, physicochemical variation, residue mobility, and thermodynamic stability) has been performed for this missense variant. However, the output from this modeling did not meet the statistical confidence thresholds required to predict the impact of this variant on FGFR3 protein function. In summary, the available evidence is currently insufficient to determine the role of this variant in disease. Therefore, it has been classified as a Variant of Uncertain Significance.

NM_000142.5(FGFR3):c.1252C>G (p.Pro418Ala)

Gene: FGFR3 (fibroblast growth factor receptor 3; plus strand). Cytogenetic location: 4p16.3.
Variant type: single nucleotide variant.
Coding change: c.1252C>G on transcript NM_000142.5 (MANE Select); coding-DNA position 1252, C replaced by G.
Protein change: p.Pro418Ala; replaces proline 418 with alanine.
Molecular consequence: missense variant. On other transcripts: non-coding transcript variant (1), intron variant (1).
Genome position (GRCh38, 1-based): chr4:1,804,506, C>G. VCF-style: chr4-1804506-C-G. GRCh37 (hg19) VCF-style: chr4-1806233-C-G.
Other names: c.1258C>G, p.Pro420Ala (NM_001163213.2); c.1252C>G, p.Pro418Ala (NM_001354809.2, NM_001354810.2); c.931-318C>G (NM_022965.4); short protein forms P418A, P420A.
Identifiers: ClinVar variation 3630712 (VCV003630712.2).